The following is an entry in ClinVar:

NM_001082.5(CYP4F2):c.1414A>G (p.Thr472Ala)

Gene: CYP4F2 (cytochrome P450 family 4 subfamily F member 2; minus strand). Cytogenetic location: 19p13.12.
Variant type: single nucleotide variant.
Coding change: c.1414A>G on transcript NM_001082.5 (MANE Select); coding-DNA position 1414, A replaced by G.
Protein change: p.Thr472Ala; replaces threonine 472 with alanine.
Molecular consequence: missense variant.
Genome position (GRCh38, 1-based): chr19:15,878,920, T>C on the plus strand (A>G on the coding strand, the complement: CYP4F2 is on the minus strand). VCF-style: chr19-15878920-T-C. GRCh37 (hg19) VCF-style: chr19-15989730-T-C.
Other names: short protein forms T472A.
Identifiers: ClinVar variation 3059292 (VCV003059292.3), dbSNP rs4020346, ClinGen allele CA9273601.

ClinVar aggregate classification (germline): Benign. Review status: criteria provided, single submitter (1 of 4 stars). 2 submissions from 2 submitters: Benign (1). 1 of the submissions does not count toward it. Last evaluated 2024-11-28.

Conditions:
CYP4F2-related disorder. Also called: CYP4F2-related condition.

Allele frequency attached by ClinVar (database versions not stated): ExAC 0.36933.

Submissions (2):

Blueprint Genetics
Classification: Benign. Last evaluated: 2024-11-28. Review status: criteria provided, single submitter. Criteria: ACMG Guidelines, 2015. Collection method: clinical testing. Allele origin: germline.

PreventionGenetics, part of Exact Sciences
Classification: Likely benign for CYP4F2-related condition. Last evaluated: 2019-10-17. Review status: no assertion criteria provided. Collection method: clinical testing. Allele origin: germline. Not counted in ClinVar's aggregate classification.
Comment: This variant is classified as likely benign based on ACMG/AMP sequence variant interpretation guidelines (Richards et al. 2015 PMID: 25741868, with internal and published modifications).